The following is an entry in ClinVar:

ClinVar aggregate classification (germline): Uncertain significance (1 of 4 stars; one submission).

Conditions:
Inborn genetic diseases. Identifiers: MedGen C0950123, MeSH D030342.

Submission:

Ambry Genetics
Classification: Uncertain significance for Inborn genetic diseases. Last evaluated: 2026-04-27. Review status: criteria provided, single submitter. Criteria: Ambry Variant Classification Scheme 2023. Collection method: clinical testing. Allele origin: germline.
Comment: The c.97G>A (p.A33T) alteration is located in exon 3 (coding exon 1) of the MRAP gene. This alteration results from a G to A substitution at nucleotide position 97, causing the alanine (A) at amino acid position 33 to be replaced by a threonine (T). Based on data from gnomAD, the A allele has an overall frequency of 0.001% (3/251128) total alleles studied. The highest observed frequency was 0.003% (3/113578) of European (non-Finnish) alleles. Based on insufficient or conflicting evidence, the clinical significance of this alteration remains unclear.

NM_001379228.1(MRAP):c.97G>A (p.Ala33Thr)

Gene: MRAP (melanocortin 2 receptor accessory protein; plus strand). Cytogenetic location: 21q22.11.
Variant type: single nucleotide variant.
Coding change: c.97G>A on transcript NM_001379228.1 (MANE Select); coding-DNA position 97, G replaced by A.
Protein change: p.Ala33Thr; replaces alanine 33 with threonine.
Molecular consequence: missense variant. On other transcripts: intron variant (1).
Genome position (GRCh38, 1-based): chr21:32,299,068, G>A. VCF-style: chr21-32299068-G-A. GRCh37 (hg19) VCF-style: chr21-33671379-G-A.
Other names: c.97G>A, p.Ala33Thr (NM_178817.4, NM_206898.2); c.-72+5936G>A (NM_001285394.2); short protein forms A33T.
Identifiers: ClinVar variation 4860262 (VCV004860262.1).